The following is an entry in ClinVar:

ClinVar aggregate classification (germline): Conflicting classifications of pathogenicity. Review status: criteria provided, conflicting classifications (1 of 4 stars). 3 submissions from 3 submitters: Uncertain significance (1); Benign (1); Likely benign (1). Last evaluated 2025-12-15.

Conditions:
Cardiovascular phenotype. Identifiers: MedGen CN230736.

Allele frequency attached by ClinVar (database versions not stated): gnomAD exomes 0.00005 and 0.00010; ExAC 0.00015; ESP Exome Variant Server 0.00032; TOPMed 0.00047; gnomAD 0.00052 and 0.00054; 1000 Genomes Project 30x 0.00078; 1000 Genomes Project 0.00080.
gnomAD v4.1: 153 of 1,612,780 alleles (0.0095%); highest among the groups gnomAD compares: African/African-American, 0.19%; 1 homozygote.

Submissions (3):

Ambry Genetics
Classification: Benign for Cardiovascular phenotype. Last evaluated: 2025-12-15. Review status: criteria provided, single submitter. Criteria: Ambry Variant Classification Scheme 2023. Collection method: clinical testing. Allele origin: germline.

Mayo Clinic Laboratories, Mayo Clinic
Classification: Likely benign. Last evaluated: 2025-07-31. Review status: criteria provided, single submitter. Criteria: ACMG Guidelines, 2015. Collection method: clinical testing. Allele origin: germline. Observed: 1 variant allele.
Comment: BS1, BP4_moderate

GeneDx
Classification: Uncertain significance. Last evaluated: 2023-07-19. Review status: criteria provided, single submitter. Criteria: GeneDx Variant Classification Process June 2021. Collection method: clinical testing. Allele origin: germline. Affected: yes.
Comment: Has not been previously published as pathogenic or benign to our knowledge; In silico analysis supports that this missense variant has a deleterious effect on protein structure/function

NM_001365276.2(TNXB):c.1965C>G (p.Asp655Glu)

Gene: TNXB (tenascin XB; minus strand). Cytogenetic location: 6p21.33.
Variant type: single nucleotide variant.
Coding change: c.1965C>G on transcript NM_001365276.2 (MANE Select); coding-DNA position 1965, C replaced by G.
Protein change: p.Asp655Glu; replaces aspartic acid 655 with glutamic acid.
Molecular consequence: missense variant.
Genome position (GRCh38, 1-based): chr6:32,095,888, G>C on the plus strand (C>G on the coding strand, the complement: TNXB is on the minus strand). VCF-style: chr6-32095888-G-C. GRCh37 (hg19) VCF-style: chr6-32063665-G-C.
Other names: p.Asp655Glu; c.1965C>G, p.Asp655Glu (NM_019105.8); short protein forms D655E.
Identifiers: ClinVar variation 1198461 (VCV001198461.10), dbSNP rs372621686, ClinGen allele CA3735582.